The following is an entry in ClinVar:

NM_001101426.4(CRPPA):c.1081A>G (p.Ser361Gly)

Genes: CRPPA (CDP-L-ribitol pyrophosphorylase A; minus strand), CRPPA-AS1 (CRPPA antisense RNA 1; plus strand). Cytogenetic location: 7p21.2.
Variant type: single nucleotide variant.
Coding change: c.1081A>G on transcript NM_001101426.4 (MANE Select); coding-DNA position 1081, A replaced by G.
Protein change: p.Ser361Gly; replaces serine 361 with glycine.
Molecular consequence: missense variant. On other transcripts: non-coding transcript variant (1).
Genome position (GRCh38, 1-based): chr7:16,258,428, T>C on the plus strand (A>G on the coding strand, the complement: CRPPA is on the minus strand). VCF-style: chr7-16258428-T-C. GRCh37 (hg19) VCF-style: chr7-16298053-T-C.
Other names: c.931A>G, p.Ser311Gly (NM_001101417.4); c.976A>G, p.Ser326Gly (NM_001368197.1); short protein forms S361G, S326G, S311G.
Identifiers: ClinVar variation 1998324 (VCV001998324.4), dbSNP rs1170747532, ClinGen allele CA367000555.

ClinVar aggregate classification (germline): Uncertain significance (1 of 4 stars; one submission).

Conditions:
Autosomal recessive limb-girdle muscular dystrophy type 2U. Also called: MUSCULAR DYSTROPHY, LIMB-GIRDLE, TYPE 2U; Muscular dystrophy-dystroglycanopathy (limb-girdle), type c, 7. Identifiers: Orphanet 352479, MedGen C5190987, MONDO:0014474, OMIM 616052.
Muscular dystrophy-dystroglycanopathy (congenital with brain and eye anomalies), type A, 7. Also called: WALKER-WARBURG SYNDROME OR MUSCLE-EYE-BRAIN DISEASE, ISPD-RELATED; Congenital muscular dystrophy-dystroglycanopathy with brain and eye anomalies, type A7. Identifiers: Orphanet 899, MedGen C3553330, MONDO:0013835, OMIM 614643.

Submission:

Labcorp Genetics (formerly Invitae), Labcorp
Classification: Uncertain significance for Muscular dystrophy-dystroglycanopathy (congenital with brain and eye anomalies), type A, 7; Autosomal recessive limb-girdle muscular dystrophy type 2U. Last evaluated: 2022-05-24. Review status: criteria provided, single submitter. Criteria: Invitae Variant Classification Sherloc (09022015). Collection method: clinical testing. Allele origin: germline.
Comment: Algorithms developed to predict the effect of sequence changes on RNA splicing suggest that this variant may create or strengthen a splice site. Algorithms developed to predict the effect of missense changes on protein structure and function are either unavailable or do not agree on the potential impact of this missense change (SIFT: "Deleterious"; PolyPhen-2: "Benign"; Align-GVGD: "Class C0"). This variant has not been reported in the literature in individuals affected with ISPD-related conditions. This variant is not present in population databases (gnomAD no frequency). This sequence change replaces serine, which is neutral and polar, with glycine, which is neutral and non-polar, at codon 361 of the ISPD protein (p.Ser361Gly). In summary, the available evidence is currently insufficient to determine the role of this variant in disease. Therefore, it has been classified as a Variant of Uncertain Significance.